The following is an entry in ClinVar:

NM_006895.3(HNMT):c.149C>T (p.Thr50Ile)

Gene: HNMT (histamine N-methyltransferase; plus strand). Cytogenetic location: 2q22.1.
Variant type: single nucleotide variant.
Coding change: c.149C>T on transcript NM_006895.3 (MANE Select); coding-DNA position 149, C replaced by T.
Protein change: p.Thr50Ile; replaces threonine 50 with isoleucine.
Molecular consequence: missense variant.
Genome position (GRCh38, 1-based): chr2:137,970,176, C>T. VCF-style: chr2-137970176-C-T. GRCh37 (hg19) VCF-style: chr2-138727746-C-T.
Other names: c.149C>T, p.Thr50Ile (NM_001024075.3); short protein forms T50I.
Identifiers: ClinVar variation 2369809 (VCV002369809.4), dbSNP rs199629619, ClinGen allele CA1891643.

ClinVar aggregate classification (germline): Uncertain significance. Review status: criteria provided, multiple submitters, no conflicts (2 of 4 stars). 2 submissions from 2 submitters: Uncertain significance (2). Last evaluated 2026-08-26.

Conditions:
HNMT-related disorder. Also called: HNMT-related condition.

Allele frequency attached by ClinVar (database versions not stated): gnomAD 0.00015; 1000 Genomes Project 30x 0.00016; 1000 Genomes Project 0.00020; ExAC 0.00022.

Submissions (2):

PreventionGenetics, part of Exact Sciences
Classification: Uncertain significance for HNMT-related condition. Last evaluated: 2026-08-26. Review status: criteria provided, single submitter. Criteria: ACMG Guidelines, 2015. Collection method: clinical testing. Allele origin: germline.
Comment: The HNMT c.149C>T variant is predicted to result in the amino acid substitution p.Thr50Ile. To our knowledge, this variant has not been reported in the literature. This variant is reported in 0.027% of alleles in individuals of European (Non-Finnish) descent in gnomAD. Although we suspect that this variant may be benign, at this time, the clinical significance of this variant is uncertain due to the absence of conclusive functional and genetic evidence.

Ambry Genetics
Classification: Uncertain significance. Last evaluated: 2025-05-16. Review status: criteria provided, single submitter. Criteria: Ambry Variant Classification Scheme 2023. Collection method: clinical testing. Allele origin: germline.